The following is an entry in ClinVar:

ClinVar aggregate classification (germline): Uncertain significance. Review status: criteria provided, multiple submitters, no conflicts (2 of 4 stars). 3 submissions from 3 submitters: Uncertain significance (3). Last evaluated 2025-05-21.

Conditions:
Cerebral palsy, spastic quadriplegic, 2 (CPSQ2). Identifiers: Orphanet 210141, MedGen C2752061, MONDO:0013033, OMIM 612900.

Allele frequency attached by ClinVar (database versions not stated): ExAC 0.00001; gnomAD 0.00001; TOPMed 0.00002.
gnomAD v4.1: 6 of 1,614,060 alleles (0.00037%); highest among the groups gnomAD compares: Admixed American, 0.0083%; no homozygotes.

Submissions (3):

Labcorp Genetics (formerly Invitae), Labcorp
Classification: Uncertain significance. Last evaluated: 2025-05-21. Review status: criteria provided, single submitter. Criteria: Invitae Variant Classification Sherloc (09022015). Collection method: clinical testing. Allele origin: germline.
Comment: This sequence change replaces glutamine, which is neutral and polar, with proline, which is neutral and non-polar, at codon 112 of the KANK1 protein (p.Gln112Pro). This variant is present in population databases (rs751635469, gnomAD 0.006%). This variant has not been reported in the literature in individuals affected with KANK1-related conditions. ClinVar contains an entry for this variant (Variation ID: 1510155). An algorithm developed to predict the effect of missense changes on protein structure and function (PolyPhen-2) suggests that this variant is likely to be tolerated. In summary, the available evidence is currently insufficient to determine the role of this variant in disease. Therefore, it has been classified as a Variant of Uncertain Significance.

Ambry Genetics
Classification: Uncertain significance. Last evaluated: 2024-10-20. Review status: criteria provided, single submitter. Criteria: Ambry Variant Classification Scheme 2023. Collection method: clinical testing. Allele origin: germline.

Fulgent Genetics
Classification: Uncertain significance for Cerebral palsy, spastic quadriplegic, 2. Last evaluated: 2021-10-05. Review status: criteria provided, single submitter. Criteria: ACMG Guidelines, 2015. Collection method: clinical testing. Allele origin: unknown.

NM_015158.5(KANK1):c.335A>C (p.Gln112Pro)

Gene: KANK1 (KN motif and ankyrin repeat domains 1; plus strand). Cytogenetic location: 9p24.3.
Variant type: single nucleotide variant.
Coding change: c.335A>C on transcript NM_015158.5 (MANE Select); coding-DNA position 335, A replaced by C.
Protein change: p.Gln112Pro; replaces glutamine 112 with proline.
Molecular consequence: missense variant. On other transcripts: 5 prime UTR variant (12), non-coding transcript variant (1).
Genome position (GRCh38, 1-based): chr9:711,101, A>C. VCF-style: chr9-711101-A-C. GRCh37 (hg19) VCF-style: chr9-711101-A-C.
Other names: c.335A>C, p.Gln112Pro (NM_001256876.3, NM_001256877.3, NM_001354331.2 and 2 more transcripts); c.-140A>C (NM_001354333.2, NM_001354335.2, NM_001354336.2 and 9 more transcripts); c.335A>C (NM_015158.2); short protein forms Q112P.
Identifiers: ClinVar variation 1510155 (VCV001510155.8), dbSNP rs751635469, ClinGen allele CA4959916.